The following is an entry in ClinVar:

NM_001287.6(CLCN7):c.406C>G (p.Leu136Val)

Gene: CLCN7 (chloride voltage-gated channel 7; minus strand). Cytogenetic location: 16p13.3.
Variant type: single nucleotide variant.
Coding change: c.406C>G on transcript NM_001287.6 (MANE Select); coding-DNA position 406, C replaced by G.
Protein change: p.Leu136Val; replaces leucine 136 with valine.
Molecular consequence: missense variant.
Genome position (GRCh38, 1-based): chr16:1,460,894, G>C on the plus strand (C>G on the coding strand, the complement: CLCN7 is on the minus strand). VCF-style: chr16-1460894-G-C. GRCh37 (hg19) VCF-style: chr16-1510895-G-C.
Other names: c.334C>G, p.Leu112Val (NM_001114331.3); short protein forms L112V, L136V.
Identifiers: ClinVar variation 1389749 (VCV001389749.8), dbSNP rs986070320, ClinGen allele CA394192591.
Genomic context (GRCh38, chr16:1,460,894, plus strand): 5'-ACTTGAGGCCAGCCAGGTTTTCCACCACGATGTCAATGAAGCAGGCCACGAGGCCCGTGA[G>C]GATCCCAATGAGGGCGCAGATGACCCAGCGCTTGATCTCCACCGTCCGGAAGGCCTGCAG-3'
Protein context (NP_001278.1, residues 126-146): RWVICALIGI[Leu136Val]TGLVACFIDI

ClinVar aggregate classification (germline): Uncertain significance (1 of 4 stars; one submission).

Allele frequency attached by ClinVar (database versions not stated): gnomAD exomes below 0.00001; gnomAD 0.00001.
gnomAD v4.1: 3 of 1,613,906 alleles (0.00019%); highest among the groups gnomAD compares: African/African-American, 0.0013%; no homozygotes.

Submission:

Labcorp Genetics (formerly Invitae), Labcorp
Classification: Uncertain significance. Last evaluated: 2024-02-05. Review status: criteria provided, single submitter. Criteria: Invitae Variant Classification Sherloc (09022015). Collection method: clinical testing. Allele origin: germline.
Comment: This sequence change replaces leucine, which is neutral and non-polar, with valine, which is neutral and non-polar, at codon 136 of the CLCN7 protein (p.Leu136Val). This variant is present in population databases (no rsID available, gnomAD 0.01%). This variant has not been reported in the literature in individuals affected with CLCN7-related conditions. ClinVar contains an entry for this variant (Variation ID: 1389749). Advanced modeling of protein sequence and biophysical properties (such as structural, functional, and spatial information, amino acid conservation, physicochemical variation, residue mobility, and thermodynamic stability) performed at Invitae indicates that this missense variant is not expected to disrupt CLCN7 protein function with a negative predictive value of 95%. In summary, the available evidence is currently insufficient to determine the role of this variant in disease. Therefore, it has been classified as a Variant of Uncertain Significance.